The following is an entry in ClinVar:

ClinVar aggregate classification (germline): Uncertain significance. Review status: criteria provided, multiple submitters, no conflicts (2 of 4 stars). 2 submissions from 2 submitters: Uncertain significance (2). Last evaluated 2021-11-15.

Conditions:
Inborn genetic diseases. Identifiers: MedGen C0950123, MeSH D030342.

Allele frequency attached by ClinVar (database versions not stated): gnomAD exomes 0.00001 and 0.00003; ExAC 0.00002; gnomAD 0.00003 and 0.00004; TOPMed 0.00003; ESP Exome Variant Server 0.00008.
gnomAD v4.1: 44 of 1,614,094 alleles (0.0027%); highest among the groups gnomAD compares: Non-Finnish European, 0.0036%; no homozygotes.

Submissions (2):

Labcorp Genetics (formerly Invitae), Labcorp
Classification: Uncertain significance. Last evaluated: 2021-11-15. Review status: criteria provided, single submitter. Criteria: Invitae Variant Classification Sherloc (09022015). Collection method: clinical testing. Allele origin: germline.
Comment: This sequence change replaces leucine, which is neutral and non-polar, with valine, which is neutral and non-polar, at codon 1628 of the NBAS protein (p.Leu1628Val). This variant is present in population databases (rs377423959, gnomAD 0.002%). This variant has not been reported in the literature in individuals affected with NBAS-related conditions. Algorithms developed to predict the effect of missense changes on protein structure and function (SIFT, PolyPhen-2, Align-GVGD) all suggest that this variant is likely to be disruptive. Algorithms developed to predict the effect of sequence changes on RNA splicing suggest that this variant may create or strengthen a splice site. In summary, the available evidence is currently insufficient to determine the role of this variant in disease. Therefore, it has been classified as a Variant of Uncertain Significance.

Ambry Genetics
Classification: Uncertain significance for Inborn genetic diseases. Last evaluated: 2021-08-09. Review status: criteria provided, single submitter. Criteria: Ambry Variant Classification Scheme 2023. Collection method: clinical testing. Allele origin: germline.

NM_015909.4(NBAS):c.4882C>G (p.Leu1628Val)

Gene: NBAS (NBAS subunit of NRZ tethering complex; minus strand). Cytogenetic location: 2p24.3.
Variant type: single nucleotide variant.
Coding change: c.4882C>G on transcript NM_015909.4 (MANE Select); coding-DNA position 4882, C replaced by G.
Protein change: p.Leu1628Val; replaces leucine 1628 with valine.
Molecular consequence: missense variant. On other transcripts: non-coding transcript variant (1).
Genome position (GRCh38, 1-based): chr2:15,292,682, G>C on the plus strand (C>G on the coding strand, the complement: NBAS is on the minus strand). VCF-style: chr2-15292682-G-C. GRCh37 (hg19) VCF-style: chr2-15432806-G-C.
Other names: c.4882C>G (NM_015909.2); short protein forms L1628V.
Identifiers: ClinVar variation 1432154 (VCV001432154.4), dbSNP rs377423959, ClinGen allele CA1535469.
Genomic context (GRCh38, chr2:15,292,682, plus strand): 5'-GGATCTGCGCCTGAGTGAAATCCAGGAGACGTTCATTGTAGCAGTGTAACTGCTTGGTCA[G>C]TGAAATAAGGTCTTCAGGCCAGGCTTCGTGCTCATGTCGAGTCACATGCCTGGTGACCAT-3'
Protein context (NP_056993.2, residues 1618-1638): HEAWPEDLIS[Leu1628Val]TKQLHCYNER